The following is an entry in ClinVar:

NM_152305.3(POGLUT1):c.176+5G>T

Gene: POGLUT1 (protein O-glucosyltransferase 1; plus strand). Cytogenetic location: 3q13.33.
Variant type: single nucleotide variant.
Coding change: c.176+5G>T on transcript NM_152305.3 (MANE Select); 5 bases into the intron after coding-DNA position 176, G replaced by T.
Molecular consequence: intron variant.
Genome position (GRCh38, 1-based): chr3:119,469,915, G>T. VCF-style: chr3-119469915-G-T. GRCh37 (hg19) VCF-style: chr3-119188762-G-T.
Identifiers: ClinVar variation 3000035 (VCV003000035.3), dbSNP rs768597856, ClinGen allele CA2554764.
Genomic context (GRCh38, chr3:119,469,915, plus strand): 5'-AGGTCTTTGGAGAATTACGAACCATGTTCAAGTCAAAACTGCAGCTGCTACCATGGGTGA[G>T]TTCTTTTCTTTGATGTGTCTTTGAGAGTTTAGTTGCTGTCACAGGAAGTATTCTAACATC-3'

ClinVar aggregate classification (germline): Uncertain significance (1 of 4 stars; one submission).

Allele frequency attached by ClinVar (database versions not stated): TOPMed below 0.00001; ExAC 0.00001; gnomAD 0.00001.
gnomAD v4.1: 1 of 1,538,730 alleles (0.000065%); highest among the groups gnomAD compares: African/African-American, 0.0014%; no homozygotes.

Submission:

Labcorp Genetics (formerly Invitae), Labcorp
Classification: Uncertain significance. Last evaluated: 2023-10-29. Review status: criteria provided, single submitter. Criteria: Invitae Variant Classification Sherloc (09022015). Collection method: clinical testing. Allele origin: germline.
Comment: This sequence change falls in intron 2 of the POGLUT1 gene. It does not directly change the encoded amino acid sequence of the POGLUT1 protein. It affects a nucleotide within the consensus splice site. This variant is present in population databases (rs768597856, gnomAD 0.007%). This variant has not been reported in the literature in individuals affected with POGLUT1-related conditions. Variants that disrupt the consensus splice site are a relatively common cause of aberrant splicing (PMID: 17576681, 9536098). Algorithms developed to predict the effect of sequence changes on RNA splicing suggest that this variant may disrupt the consensus splice site. In summary, the available evidence is currently insufficient to determine the role of this variant in disease. Therefore, it has been classified as a Variant of Uncertain Significance.

Literature cited by the submitters: PubMed 17576681; PubMed 9536098.